The following is an entry in ClinVar:

ClinVar aggregate classification (germline): Uncertain significance. Review status: criteria provided, multiple submitters, no conflicts (2 of 4 stars). 3 submissions from 3 submitters: Uncertain significance (2). 1 of the submissions does not count toward it. Last evaluated 2025-06-02.

Conditions:
Hypogonadotropic hypogonadism 7 with or without anosmia (HH7). Also called: GNRHR-Related GnRH Deficiency; HYPOGONADOTROPIC HYPOGONADISM 7 WITHOUT ANOSMIA. Identifiers: Orphanet 432, MedGen C0342384, MONDO:0007794, OMIM 146110.
CHARGE syndrome (CHARGE). Also called: Hittner Hirsch Kreh syndrome; CHARGE ASSOCIATION--COLOBOMA, HEART ANOMALY, CHOANAL ATRESIA, RETARDATION, GENITAL AND EAR ANOMALIES; Coloboma, heart anomaly, choanal atresia, retardation, genital and ear anomalies; CHARGE association; Hall-Hittner syndrome. Identifiers: Orphanet 138, MedGen C0265354, MONDO:0008965.
SEMA3E-related disorder. Also called: SEMA3E-related condition.

Allele frequency attached by ClinVar (database versions not stated): ExAC 0.00002; gnomAD exomes 0.00002 and 0.00003; gnomAD 0.00005 and 0.00006; ESP Exome Variant Server 0.00008.
gnomAD v4.1: 31 of 1,613,140 alleles (0.0019%); highest among the groups gnomAD compares: African/African-American, 0.015%; no homozygotes.

Submissions (3):

Labcorp Genetics (formerly Invitae), Labcorp
Classification: Uncertain significance for CHARGE syndrome. Last evaluated: 2025-06-02. Review status: criteria provided, single submitter. Criteria: Invitae Variant Classification Sherloc (09022015). Collection method: clinical testing. Allele origin: germline.
Comment: This sequence change replaces arginine, which is basic and polar, with histidine, which is basic and polar, at codon 619 of the SEMA3E protein (p.Arg619His). This variant is present in population databases (rs140160399, gnomAD 0.02%). This variant has not been reported in the literature in individuals affected with SEMA3E-related conditions. ClinVar contains an entry for this variant (Variation ID: 1052334). Invitae Evidence Modeling of protein sequence and biophysical properties (such as structural, functional, and spatial information, amino acid conservation, physicochemical variation, residue mobility, and thermodynamic stability) indicates that this missense variant is not expected to disrupt SEMA3E protein function with a negative predictive value of 80%. In summary, the available evidence is currently insufficient to determine the role of this variant in disease. Therefore, it has been classified as a Variant of Uncertain Significance.

Fulgent Genetics
Classification: Uncertain significance for Hypogonadotropic hypogonadism 7 with or without anosmia; CHD7-related CHARGE syndrome. Last evaluated: 2021-12-29. Review status: criteria provided, single submitter. Criteria: ACMG Guidelines, 2015. Collection method: clinical testing. Allele origin: unknown.

PreventionGenetics, part of Exact Sciences
Classification: Uncertain significance for SEMA3E-related condition. Last evaluated: 2024-07-24. Review status: no assertion criteria provided. Collection method: clinical testing. Allele origin: germline. Not counted in ClinVar's aggregate classification.
Comment: The SEMA3E c.1856G>A variant is predicted to result in the amino acid substitution p.Arg619His. To our knowledge, this variant has not been reported in the literature. This variant is reported in 0.016% of alleles in individuals of African descent in gnomAD. Although we suspect that this variant may be benign, at this time, the clinical significance of this variant is uncertain due to the absence of conclusive functional and genetic evidence.

NM_012431.3(SEMA3E):c.1856G>A (p.Arg619His)

Gene: SEMA3E (semaphorin 3E; minus strand). Cytogenetic location: 7q21.11.
Variant type: single nucleotide variant.
Coding change: c.1856G>A on transcript NM_012431.3 (MANE Select); coding-DNA position 1856, G replaced by A.
Protein change: p.Arg619His; replaces arginine 619 with histidine.
Molecular consequence: missense variant.
Genome position (GRCh38, 1-based): chr7:83,385,313, C>T on the plus strand (G>A on the coding strand, the complement: SEMA3E is on the minus strand). VCF-style: chr7-83385313-C-T. GRCh37 (hg19) VCF-style: chr7-83014629-C-T.
Other names: c.1676G>A, p.Arg559His (NM_001178129.2); c.1856G>A (NM_012431.2); short protein forms R559H, R619H.
Identifiers: ClinVar variation 1052334 (VCV001052334.11), dbSNP rs140160399, ClinGen allele CA4321886.